The following is an entry in ClinVar:

Conditions:
Long QT syndrome 5 (LQT5). Identifiers: Orphanet 101016, Orphanet 768, MedGen C1867904, MONDO:0013372, OMIM 613695.

Submission:

Roden Lab, Vanderbilt University Medical Center
No classification provided (evidence only). Condition: Long QT syndrome 5. Review status: no classification provided. Collection method: in vitro. Allele origin: not applicable. Functional consequence: Effect on ion channel function.
ClinVar note: "not provided" was previously submitted as the classification for the variant. However, the classification appeared to be based only on an observation of functional data so it was converted to no classification on 2025-07-30.

NM_000219.6(KCNE1):c.367C>T (p.Pro123Ser)

Gene: KCNE1 (potassium voltage-gated channel subfamily E regulatory subunit 1; minus strand). Cytogenetic location: 21q22.12.
Variant type: single nucleotide variant.
Coding change: c.367C>T on transcript NM_000219.6 (MANE Select); coding-DNA position 367, C replaced by T.
Protein change: p.Pro123Ser; replaces proline 123 with serine.
Molecular consequence: missense variant.
Genome position (GRCh38, 1-based): chr21:34,449,268, G>A on the plus strand (C>T on the coding strand, the complement: KCNE1 is on the minus strand). VCF-style: chr21-34449268-G-A. GRCh37 (hg19) VCF-style: chr21-35821566-G-A.
Other names: c.367C>T, p.Pro123Ser (NM_001127668.4, NM_001127669.4, NM_001127670.4 and 4 more transcripts); short protein forms P123S.
Identifiers: ClinVar variation 3373834 (VCV003373834.2).